The following is an entry in ClinVar:

ClinVar aggregate classification (germline): Pathogenic (1 of 4 stars; one submission).

Submission:

Labcorp Genetics (formerly Invitae), Labcorp
Classification: Pathogenic. Last evaluated: 2025-07-10. Review status: criteria provided, single submitter. Criteria: Invitae Variant Classification Sherloc (09022015). Collection method: clinical testing. Allele origin: germline.
Comment: This sequence change creates a premature translational stop signal (p.Gln208*) in the MID1 gene. It is expected to result in an absent or disrupted protein product. Loss-of-function variants in MID1 are known to be pathogenic (PMID: 15558842, 17221865, 21326312). This variant is not present in population databases (gnomAD no frequency). This variant has not been reported in the literature in individuals affected with MID1-related conditions. ClinVar contains an entry for this variant (Variation ID: 2809087). Algorithms developed to predict the effect of sequence changes on RNA splicing suggest that this variant may disrupt the consensus splice site. For these reasons, this variant has been classified as Pathogenic.

Literature cited by the submitters: PubMed 15558842; PubMed 17221865; PubMed 21326312.

NM_000381.4(MID1):c.622C>T (p.Gln208Ter)

Gene: MID1 (midline 1; minus strand). Cytogenetic location: Xp22.2.
Variant type: single nucleotide variant.
Coding change: c.622C>T on transcript NM_000381.4 (MANE Select); coding-DNA position 622, C replaced by T.
Protein change: p.Gln208Ter; replaces glutamine 208 with a stop codon.
Molecular consequence: nonsense. On other transcripts: intron variant (2).
Genome position (GRCh38, 1-based): chrX:10,566,926, G>A on the plus strand (C>T on the coding strand, the complement: MID1 is on the minus strand). VCF-style: chrX-10566926-G-A. GRCh37 (hg19) VCF-style: chrX-10534966-G-A.
Other names: c.622C>T, p.Gln208Ter (NM_001098624.2, NM_001193277.1, NM_001193278.1 and 3 more transcripts); c.546+76C>T (NM_033289.2, NM_001193280.1); short protein forms Q208*.
Identifiers: ClinVar variation 2809087 (VCV002809087.3), dbSNP rs2519200004, ClinGen allele CA412047863.
Genomic context (GRCh38, chrX:10,566,926, plus strand): 5'-GCTTAAGGCGGATCGGACTAACCTTCAATTTGTCATAGCGCTCACTCAAAGCTGCCACCT[G>A]ATGATCGCGGTGCCGCCCAACCAGTTTACACAAGGCACAGATTAACTGGTCATCGGTCAC-3'